The following is an entry in ClinVar:

ClinVar aggregate classification (germline): Uncertain significance (1 of 4 stars; one submission).

Conditions:
Benign neonatal seizures. Also called: Benign familial neonatal seizures; Benign neonatal familial convulsions; Benign familial neonatal epilepsy; Convulsions benign familial neonatal dominant form; Autosomal dominant form of benign neonatal seizures. Identifiers: Orphanet 1949, MedGen C0220669, MONDO:0016027.

Submission:

Labcorp Genetics (formerly Invitae), Labcorp
Classification: Uncertain significance for Benign neonatal seizures. Last evaluated: 2025-12-22. Review status: criteria provided, single submitter. Criteria: Invitae Variant Classification Sherloc (09022015). Collection method: clinical testing. Allele origin: germline.
Comment: This variant, c.116_148dup, results in the insertion of 11 amino acid(s) of the KCNQ3 protein (p.Glu39_Asp49dup), but otherwise preserves the integrity of the reading frame. This variant is present in population databases (rs746906634, gnomAD 0.03%). This variant has not been reported in the literature in individuals affected with KCNQ3-related conditions. ClinVar contains an entry for this variant (Variation ID: 580117). Experimental studies and prediction algorithms are not available or were not evaluated, and the functional significance of this variant is currently unknown. In summary, the available evidence is currently insufficient to determine the role of this variant in disease. Therefore, it has been classified as a Variant of Uncertain Significance.

NM_004519.4(KCNQ3):c.116_148dup (p.Glu39_Asp49dup)

Gene: KCNQ3 (potassium voltage-gated channel subfamily Q member 3; minus strand). Cytogenetic location: 8q24.22.
Variant type: Duplication.
Coding change: c.116_148dup on transcript NM_004519.4 (MANE Select); coding-DNA positions 116 to 148, 33 bases duplicated.
Protein change: p.Glu39_Asp49dup.
Molecular consequence: inframe insertion.
Genome position (GRCh38, 1-based): chr8:132,480,385-132,480,417, 33 bases duplicated; duplicating any 33 consecutive bases within chr8:132,480,385-132,480,426 gives the same sequence; the c. name uses the placement nearest the transcript's 3' end. GRCh37 (hg19): chr8:133,492,641-133,492,673.
Identifiers: ClinVar variation 580117 (VCV000580117.11), dbSNP rs746906634, ClinGen allele CA4881013.